The following is an entry in ClinVar:

ClinVar aggregate classification (germline): Uncertain significance (1 of 4 stars; one submission).

gnomAD v4.1: 2 of 1,613,726 alleles (0.00012%); highest among the groups gnomAD compares: Non-Finnish European, 0.00017%; no homozygotes.

Submission:

Labcorp Genetics (formerly Invitae), Labcorp
Classification: Uncertain significance. Last evaluated: 2024-07-17. Review status: criteria provided, single submitter. Criteria: Invitae Variant Classification Sherloc (09022015). Collection method: clinical testing. Allele origin: germline.
Comment: This sequence change affects an acceptor splice site in intron 14 of the ADGRE2 gene. It is expected to disrupt RNA splicing. Variants that disrupt the donor or acceptor splice site typically lead to a loss of protein function (PMID: 16199547), however the current clinical and genetic evidence is not sufficient to establish whether loss-of-function variants in ADGRE2 cause disease. This variant is not present in population databases (gnomAD no frequency). This variant has not been reported in the literature in individuals affected with ADGRE2-related conditions. Algorithms developed to predict the effect of sequence changes on RNA splicing suggest that this variant may disrupt the consensus splice site. In summary, the available evidence is currently insufficient to determine the role of this variant in disease. Therefore, it has been classified as a Variant of Uncertain Significance.

Literature cited by the submitters: PubMed 16199547.

NM_013447.4(ADGRE2):c.1591-1G>T

Gene: ADGRE2 (adhesion G protein-coupled receptor E2; minus strand). Cytogenetic location: 19p13.12.
Variant type: single nucleotide variant.
Coding change: c.1591-1G>T on transcript NM_013447.4 (MANE Select); the canonical splice acceptor site of the intron before coding-DNA position 1591, G replaced by T.
Molecular consequence: splice acceptor variant.
Genome position (GRCh38, 1-based): chr19:14,752,527, C>A on the plus strand (G>T on the coding strand, the complement: ADGRE2 is on the minus strand). VCF-style: chr19-14752527-C-A. GRCh37 (hg19) VCF-style: chr19-14863339-C-A.
Other names: c.1312-1G>T (NM_152917.2); c.1444-1G>T (NM_152916.2); c.1417-1G>T (NM_001271052.1).
Identifiers: ClinVar variation 3683092 (VCV003683092.2).
Genomic context (GRCh38, chr19:14,752,527, plus strand): 5'-GCACAGCAGAGAGACGCTCAGCCCCATGTAGGTGATGACAGTCAGCACGGGATCCTCCTC[C>A]TGGGACCCGGAAAAGAAGAGTTCACAGTGATGCTTTCCTGCTCTGGGGTAATGACCCCAC-3'